The following is an entry in ClinVar:

ClinVar aggregate classification (germline): Uncertain significance (1 of 4 stars; one submission).

Conditions:
Beta-D-mannosidosis (MANSB). Also called: Beta-Mannosidosis; MANNOSIDOSIS, BETA A, LYSOSOMAL; BETA-MANNOSIDASE DEFICIENCY; LYSOSOMAL BETA-MANNOSIDASE DEFICIENCY. Identifiers: Orphanet 118, MedGen C4048196, MONDO:0009562, OMIM 248510.

gnomAD v4.1: 99 of 1,612,338 alleles (0.0061%); highest among the groups gnomAD compares: Non-Finnish European, 0.0077%; no homozygotes.

Submission:

Labcorp Genetics (formerly Invitae), Labcorp
Classification: Uncertain significance for Beta-D-mannosidosis. Last evaluated: 2024-10-08. Review status: criteria provided, single submitter. Criteria: Invitae Variant Classification Sherloc (09022015). Collection method: clinical testing. Allele origin: germline.
Comment: This sequence change replaces serine, which is neutral and polar, with leucine, which is neutral and non-polar, at codon 712 of the MANBA protein (p.Ser712Leu). This variant is present in population databases (rs766807816, gnomAD 0.005%). This variant has not been reported in the literature in individuals affected with MANBA-related conditions. Invitae Evidence Modeling of protein sequence and biophysical properties (such as structural, functional, and spatial information, amino acid conservation, physicochemical variation, residue mobility, and thermodynamic stability) indicates that this missense variant is not expected to disrupt MANBA protein function with a negative predictive value of 80%. In summary, the available evidence is currently insufficient to determine the role of this variant in disease. Therefore, it has been classified as a Variant of Uncertain Significance.

NM_005908.4(MANBA):c.2135C>T (p.Ser712Leu)

Gene: MANBA (mannosidase beta; minus strand). Cytogenetic location: 4q24.
Variant type: single nucleotide variant.
Coding change: c.2135C>T on transcript NM_005908.4 (MANE Select); coding-DNA position 2135, C replaced by T.
Protein change: p.Ser712Leu; replaces serine 712 with leucine.
Molecular consequence: missense variant.
Genome position (GRCh38, 1-based): chr4:102,635,887, G>A on the plus strand (C>T on the coding strand, the complement: MANBA is on the minus strand). VCF-style: chr4-102635887-G-A. GRCh37 (hg19) VCF-style: chr4-103557044-G-A.
Other names: short protein forms S712L.
Identifiers: ClinVar variation 3703280 (VCV003703280.2).